The following is an entry in ClinVar:

NM_025179.4(PLXNA2):c.3582A>G (p.Val1194=)

Gene: PLXNA2 (plexin A2; minus strand). Cytogenetic location: 1q32.2.
Variant type: single nucleotide variant.
Coding change: c.3582A>G on transcript NM_025179.4 (MANE Select); coding-DNA position 3582, A replaced by G.
Protein change: p.Val1194=; no amino-acid change (valine 1194 retained).
Molecular consequence: synonymous variant.
Genome position (GRCh38, 1-based): chr1:208,045,124, T>C on the plus strand (A>G on the coding strand, the complement: PLXNA2 is on the minus strand). VCF-style: chr1-208045124-T-C. GRCh37 (hg19) VCF-style: chr1-208218469-T-C.
Identifiers: ClinVar variation 3354819 (VCV003354819.2).
Genomic context (GRCh38, chr1:208,045,124, plus strand): 5'-CACCATGACCTTGTGCTGCCCGGTGAGGTTGGGAGGCTCGCAGAGAAGCTGGGTCTCAGA[T>C]ACGGTGACAGCACAAGGGGTCTCTCCGATGAGCACAGTGTAGTTGAGTTTGGCCCCTCCA-3'
Protein context (NP_079455.3, residues 1184-1204): LIGETPCAVT[Val1194=]SETQLLCEPP

ClinVar aggregate classification (germline): Likely benign. Review status: criteria provided, single submitter (1 of 4 stars). 2 submissions from 2 submitters: Likely benign (1). 1 of the submissions does not count toward it. Last evaluated 2025-07-09.

Conditions:
PLXNA2-related disorder. Also called: PLXNA2-related condition.

gnomAD v4.1: 4 of 1,614,022 alleles (0.00025%); highest among the groups gnomAD compares: African/African-American, 0.0027%; no homozygotes.

Submissions (2):

Labcorp Genetics (formerly Invitae), Labcorp
Classification: Likely benign. Last evaluated: 2025-07-09. Review status: criteria provided, single submitter. Criteria: Invitae Variant Classification Sherloc (09022015). Collection method: clinical testing. Allele origin: germline.

PreventionGenetics, part of Exact Sciences
Classification: Likely benign for PLXNA2-related condition. Last evaluated: 2022-02-10. Review status: no assertion criteria provided. Collection method: clinical testing. Allele origin: germline. Not counted in ClinVar's aggregate classification.
Comment: This variant is classified as likely benign based on ACMG/AMP sequence variant interpretation guidelines (Richards et al. 2015 PMID: 25741868, with internal and published modifications).